The following is an entry in ClinVar:

NM_001165963.4(SCN1A):c.4990A>C (p.Met1664Leu)

Genes: SCN1A (sodium voltage-gated channel alpha subunit 1; minus strand), LOC102724058 (uncharacterized LOC102724058; plus strand). Cytogenetic location: 2q24.3.
Variant type: single nucleotide variant.
Coding change: c.4990A>C on transcript NM_001165963.4 (MANE Select); coding-DNA position 4990, A replaced by C.
Protein change: p.Met1664Leu; replaces methionine 1664 with leucine.
Molecular consequence: missense variant. On other transcripts: non-coding transcript variant (1).
Genome position (GRCh38, 1-based): chr2:165,992,285, T>G on the plus strand (A>C on the coding strand, the complement: SCN1A is on the minus strand). VCF-style: chr2-165992285-T-G. GRCh37 (hg19) VCF-style: chr2-166848795-T-G.
Other names: c.4906A>C, p.Met1636Leu (NM_001165964.3, NM_001353957.2, NM_001353958.2); c.4990A>C, p.Met1664Leu (NM_001202435.3, NM_001353948.2); c.4957A>C, p.Met1653Leu (NM_001353949.2, NM_001353950.2, NM_001353951.2 and 2 more transcripts); c.4954A>C, p.Met1652Leu (NM_001353954.2, NM_001353955.2); c.4903A>C, p.Met1635Leu (NM_001353960.2); c.2548A>C, p.Met850Leu (NM_001353961.2); short protein forms M1664L, M1635L, M1653L, M850L, M1636L, M1652L.
Identifiers: ClinVar variation 932443 (VCV000932443.41), dbSNP rs1689339718, ClinGen allele CA349069850.

ClinVar aggregate classification (germline): Pathogenic/Likely pathogenic. Review status: criteria provided, multiple submitters, no conflicts (2 of 4 stars). 2 submissions from 2 submitters: Pathogenic (1); Likely pathogenic (1). Last evaluated 2024-06-25.

Conditions:
Severe myoclonic epilepsy in infancy (DRVT). Also called: DEVELOPMENTAL AND EPILEPTIC ENCEPHALOPATHY 6A; Severe Myoclonic Epilepsy in Infancy (SMEI); SEVERE MYOCLONIC EPILEPSY OF INFANCY; Dravet syndrome; Epileptic encephalopathy, early infantile, 6 (Dravet syndrome). Identifiers: Orphanet 33069, MedGen C0751122, MONDO:0100135, OMIM 607208.

Submissions (2):

Institute of Human Genetics, University of Leipzig Medical Center
Classification: Likely pathogenic for Severe myoclonic epilepsy in infancy. Last evaluated: 2024-06-25. Review status: criteria provided, single submitter. Criteria: ACMG Guidelines, 2015. Collection method: clinical testing. Allele origin: unknown. Inheritance: Autosomal dominant inheritance. Affected: yes.
Comment: Criteria applied: PM5_STR, PS4_MOD, PP3_MOD, PM2_SUP

CeGaT Center for Human Genetics Tuebingen
Classification: Pathogenic. Last evaluated: 2020-04-01. Review status: criteria provided, single submitter. Criteria: CeGaT Center For Human Genetics Tuebingen Variant Classification Criteria Version 2. Collection method: clinical testing. Allele origin: germline. Affected: yes. Observed: 2 variant alleles.